The following is an entry in ClinVar:

ClinVar aggregate classification (germline): Pathogenic (1 of 4 stars; one submission).

Conditions:
Inborn genetic diseases. Identifiers: MedGen C0950123, MeSH D030342.

Submission:

Ambry Genetics
Classification: Pathogenic for Inborn genetic diseases. Last evaluated: 2026-06-03. Review status: criteria provided, single submitter. Criteria: Ambry Variant Classification Scheme 2023. Collection method: clinical testing. Allele origin: germline.
Comment: The c.236C>G (p.S79*) alteration, located in exon 2 (coding exon 1) of the PRRT2 gene, consists of a C to G substitution at nucleotide position 236. This changes the amino acid from a serine (S) to a stop codon at amino acid position 79. This variant is expected to result in loss of function by premature protein truncation or nonsense-mediated mRNA decay. This variant was not reported in population-based cohorts in the Genome Aggregation Database (gnomAD). Based on the available evidence, this alteration is classified as pathogenic.

NM_145239.3(PRRT2):c.236C>G (p.Ser79Ter)

Genes: MVP-DT (MVP divergent transcript; minus strand), PRRT2 (proline rich transmembrane protein 2; plus strand). Cytogenetic location: 16p11.2.
Variant type: single nucleotide variant.
Coding change: c.236C>G on transcript NM_145239.3 (MANE Select); coding-DNA position 236, C replaced by G.
Protein change: p.Ser79Ter; replaces serine 79 with a stop codon.
Molecular consequence: nonsense.
Genome position (GRCh38, 1-based): chr16:29,813,290, C>G. VCF-style: chr16-29813290-C-G. GRCh37 (hg19) VCF-style: chr16-29824611-C-G.
Other names: c.236C>G, p.Ser79Ter (NM_001256442.2, NM_001256443.2, NM_001438120.1 and 2 more transcripts); short protein forms S79*.
Identifiers: ClinVar variation 4862579 (VCV004862579.1).